The following is an entry in ClinVar:

ClinVar aggregate classification (germline): Pathogenic (1 of 4 stars; one submission).

Conditions:
Hereditary breast ovarian cancer syndrome. Also called: Hereditary breast and ovarian cancer syndrome (HBOC); Hereditary breast and ovarian cancer; Breast and ovarian cancer; BRCA1- and BRCA2-Associated Hereditary Breast and Ovarian Cancer; Hereditary breast and ovarian cancer syndrome; Hereditary breast and/or ovarian cancer syndrome. Identifiers: Orphanet 145, MedGen C0677776, MeSH D061325, MONDO:0003582. Disease mechanism: loss of function.

Submission:

Labcorp Genetics (formerly Invitae), Labcorp
Classification: Pathogenic for Hereditary breast ovarian cancer syndrome. Last evaluated: 2019-07-26. Review status: criteria provided, single submitter. Criteria: Invitae Variant Classification Sherloc (09022015). Collection method: clinical testing. Allele origin: germline.
Comment: Loss-of-function variants in BRCA2 are known to be pathogenic (PMID: 20104584). This sequence change creates a premature translational stop signal (p.Ile1111Leufs*8) in the BRCA2 gene. It is expected to result in an absent or disrupted protein product. This variant is not present in population databases (ExAC no frequency). This variant has not been reported in the literature in individuals with BRCA2-related conditions. For these reasons, this variant has been classified as Pathogenic.

Literature cited by the submitters: PubMed 20104584.

NM_000059.4(BRCA2):c.3331del (p.Ile1111fs)

Gene: BRCA2 (BRCA2 DNA repair associated; plus strand). Cytogenetic location: 13q13.1.
Variant type: Deletion.
Coding change: c.3331del on transcript NM_000059.4 (MANE Select); coding-DNA position 3331, one base deleted (A; older notation c.3331delA).
Protein change: p.Ile1111fs; shifts the reading frame from isoleucine 1111.
Molecular consequence: frameshift variant.
Genome position (GRCh38, 1-based): chr13:32,337,686, A deleted; the last of 3 consecutive A bases (chr13:32,337,684-32,337,686); deleting any one gives the same sequence. VCF-style (leftmost placement, unchanged base first): chr13-32337683-GA-G. GRCh37 (hg19) VCF-style: chr13-32911820-GA-G.
Other names: short protein forms I1111fs.
Identifiers: ClinVar variation 944914 (VCV000944914.8), dbSNP rs2072477794, ClinGen allele CA1139663143.